The following is an entry in ClinVar:

ClinVar aggregate classification (germline): Uncertain significance (1 of 4 stars; one submission).

Conditions:
IFT140-related disorder. Also called: IFT140-related condition.

gnomAD v4.1: 15 of 1,614,108 alleles (0.00093%); highest among the groups gnomAD compares: Non-Finnish European, 0.0013%; no homozygotes.

Submission:

PreventionGenetics, part of Exact Sciences
Classification: Uncertain significance for IFT140-related condition. Last evaluated: 2025-09-30. Review status: criteria provided, single submitter. Criteria: ACMG Guidelines, 2015. Collection method: clinical testing. Allele origin: germline.
Comment: The IFT140 c.295C>A variant is predicted to result in the amino acid substitution p.Pro99Thr. To our knowledge, this variant has not been reported in the literature. This variant is present in 0.0026% of alleles in individuals of European (Non-Finnish) descent in gnomAD. At this time, the clinical significance of this variant is uncertain due to the absence of conclusive functional and genetic evidence.

NM_014714.4(IFT140):c.295C>A (p.Pro99Thr)

Genes: IFT140 (intraflagellar transport 140; minus strand), LOC105371046 (uncharacterized LOC105371046; plus strand). Cytogenetic location: 16p13.3.
Variant type: single nucleotide variant.
Coding change: c.295C>A on transcript NM_014714.4 (MANE Select); coding-DNA position 295, C replaced by A.
Protein change: p.Pro99Thr; replaces proline 99 with threonine.
Molecular consequence: missense variant.
Genome position (GRCh38, 1-based): chr16:1,602,444, G>T on the plus strand (C>A on the coding strand, the complement: IFT140 is on the minus strand). VCF-style: chr16-1602444-G-T. GRCh37 (hg19) VCF-style: chr16-1652445-G-T.
Other names: short protein forms P99T.
Identifiers: ClinVar variation 4986041 (VCV004986041.1).